The following is an entry in ClinVar:

ClinVar aggregate classification (germline): Likely benign (1 of 4 stars; one submission).

Conditions:
HTT-related disorder. Also called: HTT-related condition.

Submission:

PreventionGenetics, part of Exact Sciences
Classification: Likely benign for HTT-related condition. Last evaluated: 2021-02-04. Review status: criteria provided, single submitter. Criteria: ACMG Guidelines, 2015. Collection method: clinical testing. Allele origin: germline.
Comment: This variant is classified as likely benign based on ACMG/AMP sequence variant interpretation guidelines (Richards et al. 2015 PMID: 25741868, with internal and published modifications).

NM_001388492.1(HTT):c.4428G>A (p.Leu1476=)

Gene: HTT (huntingtin; plus strand). Cytogenetic location: 4p16.3.
Variant type: single nucleotide variant.
Coding change: c.4428G>A on transcript NM_001388492.1 (MANE Select); coding-DNA position 4428, G replaced by A.
Protein change: p.Leu1476=; no amino-acid change (leucine 1476 retained).
Molecular consequence: synonymous variant.
Genome position (GRCh38, 1-based): chr4:3,177,352, G>A. VCF-style: chr4-3177352-G-A. GRCh37 (hg19) VCF-style: chr4-3179079-G-A.
Other names: c.4434G>A, p.Leu1478= (NM_002111.8).
Identifiers: ClinVar variation 3031066 (VCV003031066.1), dbSNP rs1718286986, ClinGen allele CA438123695.
Genomic context (GRCh38, chr4:3,177,352, plus strand): 5'-ATCCTATTATTGATGTGAAATTTTATTTTCCTTCCTGTAGGTGTTTATTGGCTTTGTATT[G>A]AAACAGTTTGAATACATTGAAGTGGGCCAGTTCAGGTAATAGCATTTTATTATTTTAGAT-3'
Protein context (NP_001375421.1, residues 1466-1486): DSDQVFIGFV[Leu1476=]KQFEYIEVGQ